The following is an entry in ClinVar:

ClinVar aggregate classification (germline): Uncertain significance (1 of 4 stars; one submission).

Conditions:
Hereditary cancer-predisposing syndrome. Also called: Tumor predisposition; Neoplastic Syndromes, Hereditary; Hereditary Cancer Syndrome; Hereditary neoplastic syndrome. Identifiers: Orphanet 140162, MedGen C0027672, MeSH D009386, MONDO:0015356.

Submission:

Ambry Genetics
Classification: Uncertain significance for Hereditary cancer-predisposing syndrome. Last evaluated: 2024-07-16. Review status: criteria provided, single submitter. Criteria: Ambry Variant Classification Scheme 2023. Collection method: clinical testing. Allele origin: germline.
Comment: The c.377A>C variant (also known as p.E126A), located in coding exon 3 of the FH gene, results from an A to C substitution at nucleotide position 377. The glutamic acid at codon 126 is replaced by alanine, an amino acid with dissimilar properties. This nucleotide position is highly conserved in available vertebrate species. In silico splice site analysis predicts that this alteration will result in the creation or strengthening of a novel splice donor site; however, direct evidence is insufficient at this time (Ambry internal data).This amino acid position is highly conserved in available vertebrate species. In addition, this alteration is predicted to be deleterious by in silico analysis. Based on the available evidence, the clinical significance of this variant remains unclear.

NM_000143.4(FH):c.377A>C (p.Glu126Ala)

Gene: FH (fumarate hydratase; minus strand). Cytogenetic location: 1q43.
Variant type: single nucleotide variant.
Coding change: c.377A>C on transcript NM_000143.4 (MANE Select); coding-DNA position 377, A replaced by C.
Protein change: p.Glu126Ala; replaces glutamic acid 126 with alanine.
Molecular consequence: missense variant.
Genome position (GRCh38, 1-based): chr1:241,513,604, T>G on the plus strand (A>C on the coding strand, the complement: FH is on the minus strand). VCF-style: chr1-241513604-T-G. GRCh37 (hg19) VCF-style: chr1-241676904-T-G.
Other names: short protein forms E126A.
Identifiers: ClinVar variation 3515079 (VCV003515079.1).